The following is an entry in ClinVar:

NM_031935.3(HMCN1):c.12149G>A (p.Arg4050Gln)

Gene: HMCN1 (hemicentin 1; plus strand). Cytogenetic location: 1q31.1.
Variant type: single nucleotide variant.
Coding change: c.12149G>A on transcript NM_031935.3 (MANE Select); coding-DNA position 12149, G replaced by A.
Protein change: p.Arg4050Gln; replaces arginine 4050 with glutamine.
Molecular consequence: missense variant.
Genome position (GRCh38, 1-based): chr1:186,120,065, G>A. VCF-style: chr1-186120065-G-A. GRCh37 (hg19) VCF-style: chr1-186089197-G-A.
Other names: short protein forms R4050Q.
Identifiers: ClinVar variation 875801 (VCV000875801.11), dbSNP rs565996021, ClinGen allele CA1294278.

ClinVar aggregate classification (germline): Uncertain significance. Review status: criteria provided, multiple submitters, no conflicts (2 of 4 stars). 4 submissions from 4 submitters: Uncertain significance (4). Last evaluated 2025-08-26.

Conditions:
Age related macular degeneration 1 (ARMD1). Also called: MACULOPATHY, AGE-RELATED, 1. Identifiers: MedGen C1864205, MONDO:0011285, OMIM 603075.

Allele frequency attached by ClinVar (database versions not stated): ExAC 0.00002; gnomAD exomes 0.00002; TOPMed 0.00003; gnomAD 0.00004; 1000 Genomes Project 0.00020; 1000 Genomes Project 30x 0.00031.
gnomAD v4.1: 39 of 1,614,016 alleles (0.0024%); highest among the groups gnomAD compares: South Asian, 0.0066%; no homozygotes.

Submissions (4):

Ambry Genetics
Classification: Uncertain significance. Last evaluated: 2025-08-26. Review status: criteria provided, single submitter. Criteria: Ambry Variant Classification Scheme 2023. Collection method: clinical testing. Allele origin: germline.

Labcorp Genetics (formerly Invitae), Labcorp
Classification: Uncertain significance. Last evaluated: 2024-02-27. Review status: criteria provided, single submitter. Criteria: Invitae Variant Classification Sherloc (09022015). Collection method: clinical testing. Allele origin: germline.
Comment: This sequence change replaces arginine, which is basic and polar, with glutamine, which is neutral and polar, at codon 4050 of the HMCN1 protein (p.Arg4050Gln). This variant is present in population databases (rs565996021, gnomAD 0.003%). This variant has not been reported in the literature in individuals affected with HMCN1-related conditions. ClinVar contains an entry for this variant (Variation ID: 875801). Algorithms developed to predict the effect of missense changes on protein structure and function output the following: SIFT: "Not Available"; PolyPhen-2: "Possibly Damaging"; Align-GVGD: "Not Available". The glutamine amino acid residue is found in multiple mammalian species, which suggests that this missense change does not adversely affect protein function. In summary, the available evidence is currently insufficient to determine the role of this variant in disease. Therefore, it has been classified as a Variant of Uncertain Significance.

Genome-Nilou Lab
Classification: Uncertain significance for Age related macular degeneration 1. Last evaluated: 2023-04-11. Review status: criteria provided, single submitter. Criteria: ACMG Guidelines, 2015. Collection method: clinical testing. Allele origin: germline. Affected: no.

Illumina Laboratory Services, Illumina
Classification: Uncertain significance for Age related macular degeneration 1. Last evaluated: 2018-01-13. Review status: criteria provided, single submitter. Criteria: ICSL Variant Classification Criteria 13 December 2019. Collection method: clinical testing. Allele origin: germline.